The following is an entry in ClinVar:

NM_001005242.3(PKP2):c.1965A>G (p.Gln655=)

Gene: PKP2 (plakophilin 2; minus strand). Cytogenetic location: 12p11.21.
Variant type: single nucleotide variant.
Coding change: c.1965A>G on transcript NM_001005242.3 (MANE Select); coding-DNA position 1965, A replaced by G.
Protein change: p.Gln655=; no amino-acid change (glutamine 655 retained).
Molecular consequence: synonymous variant.
Genome position (GRCh38, 1-based): chr12:32,821,404, T>C on the plus strand (A>G on the coding strand, the complement: PKP2 is on the minus strand). VCF-style: chr12-32821404-T-C. GRCh37 (hg19) VCF-style: chr12-32974338-T-C.
Other names: c.2097A>G, p.Gln699= (NM_004572.4).
Identifiers: ClinVar variation 180023 (VCV000180023.61), dbSNP rs727505293, ClinGen allele CA011704.

ClinVar aggregate classification (germline): Likely benign. Review status: criteria provided, multiple submitters, no conflicts (2 of 4 stars). 7 submissions from 7 submitters: Likely benign (7). Last evaluated 2025-12-22.

Conditions:
Cardiovascular phenotype. Identifiers: MedGen CN230736.
Cardiomyopathy (CMYO). Also called: Cardiomyopathies. Identifiers: Orphanet 167848, MedGen C0878544, MONDO:0004994, HP:0001638. Inheritance: Various modes of inheritance.
Arrhythmogenic right ventricular cardiomyopathy (ARVD). Also called: Arrhythmogenic cardiomyopathy; Arrhythmogenic Right Ventricular Cardiomyopathy (ARVC); Cardiomyopathy, ARVC; Arrhythmogenic right ventricular dysplasia. Identifiers: Orphanet 247, MedGen C0349788, MeSH D019571, MONDO:0016587. Disease mechanism: loss of function. Inheritance: Various modes of inheritance.
Arrhythmogenic right ventricular dysplasia 9 (ARVD9). Also called: Arrhythmogenic Right Ventricular Dysplasia/Cardiomyopathy 9; ARRHYTHMOGENIC RIGHT VENTRICULAR DYSPLASIA, FAMILIAL, 9. Identifiers: MedGen C1836906, MONDO:0012180, OMIM 609040.

Allele frequency attached by ClinVar (database versions not stated): gnomAD exomes 0.00001 and 0.00004; gnomAD 0.00003 and 0.00004; TOPMed 0.00004.
gnomAD v4.1: 67 of 1,614,046 alleles (0.0042%); highest among the groups gnomAD compares: Middle Eastern, 0.066%; no homozygotes.

Submissions (7):

Labcorp Genetics (formerly Invitae), Labcorp
Classification: Likely benign for Arrhythmogenic right ventricular dysplasia 9. Last evaluated: 2025-12-22. Review status: criteria provided, single submitter. Criteria: Invitae Variant Classification Sherloc (09022015). Collection method: clinical testing. Allele origin: germline.

All of Us Research Program, National Institutes of Health
Classification: Likely benign for Arrhythmogenic right ventricular cardiomyopathy. Last evaluated: 2024-01-11. Review status: criteria provided, single submitter. Criteria: ACMG Guidelines, 2015. Collection method: clinical testing. Allele origin: germline. Inheritance: Autosomal dominant inheritance. Observed: 4 variant alleles, 4 heterozygotes.
Comment: This study involves interpretation of variants in research participants for the purpose of population health screening. Participant phenotype was not available at the time of variant classification. Additional details can be found in publication PMID: 35346344, PMCID: PMC8962531

Ambry Genetics
Classification: Likely benign for Cardiovascular phenotype. Last evaluated: 2020-12-22. Review status: criteria provided, single submitter. Criteria: Ambry Variant Classification Scheme 2023. Collection method: clinical testing. Allele origin: germline.

GeneDx
Classification: Likely benign. Last evaluated: 2019-02-12. Review status: criteria provided, single submitter. Criteria: GeneDx Variant Classification Process June 2021. Collection method: clinical testing. Allele origin: germline. Affected: yes.

Color Diagnostics, LLC DBA Color Health
Classification: Likely benign for Cardiomyopathy. Last evaluated: 2018-10-17. Review status: criteria provided, single submitter. Criteria: ACMG Guidelines, 2015. Collection method: clinical testing. Allele origin: germline.

CeGaT Center for Human Genetics Tuebingen
Classification: Likely benign. Last evaluated: 2018-09-01. Review status: criteria provided, single submitter. Criteria: CeGaT Center For Human Genetics Tuebingen Variant Classification Criteria Version 2. Collection method: clinical testing. Allele origin: germline. Affected: yes. Observed: 1 variant allele.

Laboratory for Molecular Medicine, Mass General Brigham Personalized Medicine
Classification: Likely benign. Last evaluated: 2014-11-06. Review status: criteria provided, single submitter. Criteria: LMM Criteria. Collection method: clinical testing. Allele origin: germline. Observed: 1 variant allele.
Comment: p.Gln699Gln in exon 10 of PKP2: This variant is not expected to have clinical si gnificance because it does not alter an amino acid residue and is not located wi thin the splice consensus sequence.